The following is an entry in ClinVar:

NM_025179.4(PLXNA2):c.1017C>T (p.Phe339=)

Gene: PLXNA2 (plexin A2; minus strand). Cytogenetic location: 1q32.2.
Variant type: single nucleotide variant.
Coding change: c.1017C>T on transcript NM_025179.4 (MANE Select); coding-DNA position 1017, C replaced by T.
Protein change: p.Phe339=; no amino-acid change (phenylalanine 339 retained).
Molecular consequence: synonymous variant.
Genome position (GRCh38, 1-based): chr1:208,216,906, G>A on the plus strand (C>T on the coding strand, the complement: PLXNA2 is on the minus strand). VCF-style: chr1-208216906-G-A. GRCh37 (hg19) VCF-style: chr1-208390251-G-A.
Identifiers: ClinVar variation 3029782 (VCV003029782.2), dbSNP rs754566846, ClinGen allele CA1373988.

ClinVar aggregate classification (germline): Likely benign (0 of 4 stars; one submission).

Conditions:
PLXNA2-related disorder. Also called: PLXNA2-related condition.

Allele frequency attached by ClinVar (database versions not stated): ExAC 0.00001; gnomAD 0.00001; TOPMed 0.00001.
gnomAD v4.1: 3 of 1,614,114 alleles (0.00019%); highest among the groups gnomAD compares: African/African-American, 0.0027%; no homozygotes.

Submission:

PreventionGenetics, part of Exact Sciences
Classification: Likely benign for PLXNA2-related condition. Last evaluated: 2021-10-06. Review status: no assertion criteria provided. Collection method: clinical testing. Allele origin: germline.
Comment: This variant is classified as likely benign based on ACMG/AMP sequence variant interpretation guidelines (Richards et al. 2015 PMID: 25741868, with internal and published modifications).